The following is an entry in ClinVar:

NM_000038.6(APC):c.5295A>C (p.Leu1765Phe)

Gene: APC (APC regulator of Wnt signaling pathway; plus strand). Cytogenetic location: 5q22.2.
Variant type: single nucleotide variant.
Coding change: c.5295A>C on transcript NM_000038.6 (MANE Select); coding-DNA position 5295, A replaced by C.
Protein change: p.Leu1765Phe; replaces leucine 1765 with phenylalanine.
Molecular consequence: missense variant.
Genome position (GRCh38, 1-based): chr5:112,840,889, A>C. VCF-style: chr5-112840889-A-C. GRCh37 (hg19) VCF-style: chr5-112176586-A-C.
Other names: c.5295A>C, p.Leu1765Phe (NM_001127510.3, NM_001354895.2); c.5241A>C, p.Leu1747Phe (NM_001127511.3); c.5349A>C, p.Leu1783Phe (NM_001354896.2); c.5325A>C, p.Leu1775Phe (NM_001354897.2); c.5220A>C, p.Leu1740Phe (NM_001354898.2); c.5211A>C, p.Leu1737Phe (NM_001354899.2); c.5172A>C, p.Leu1724Phe (NM_001354900.2); c.5118A>C, p.Leu1706Phe (NM_001354901.2); and 6 more; short protein forms L1737F, L1747F, L1775F, L1674F, L1706F, L1765F, L1783F, L1639F.
Identifiers: ClinVar variation 1483515 (VCV001483515.9), dbSNP rs1765915337, ClinGen allele CA16032905.

ClinVar aggregate classification (germline): Uncertain significance. Review status: criteria provided, multiple submitters, no conflicts (2 of 4 stars). 3 submissions from 3 submitters: Uncertain significance (3). Last evaluated 2026-07-22.

Conditions:
Familial adenomatous polyposis 1 (FAP1). Also called: POLYPOSIS, ADENOMATOUS INTESTINAL; FAMILIAL ADENOMATOUS POLYPOSIS 1, ATTENUATED. Identifiers: MedGen C2713442, MONDO:0021056, OMIM 175100. Disease mechanism: loss of function.
Hereditary cancer-predisposing syndrome. Also called: Hereditary Cancer Syndrome; Tumor predisposition; Neoplastic Syndromes, Hereditary; Hereditary neoplastic syndrome. Identifiers: Orphanet 140162, MedGen C0027672, MeSH D009386, MONDO:0015356.

Allele frequency attached by ClinVar (database versions not stated): gnomAD exomes below 0.00001.
gnomAD v4.1: 6 of 1,613,936 alleles (0.00037%); highest among the groups gnomAD compares: Non-Finnish European, 0.00051%; no homozygotes.

Submissions (3):

Ambry Genetics
Classification: Uncertain significance for Hereditary cancer-predisposing syndrome. Last evaluated: 2026-07-22. Review status: criteria provided, single submitter. Criteria: Ambry Variant Classification Scheme 2023. Collection method: clinical testing. Allele origin: germline.
Comment: The p.L1765F variant (also known as c.5295A>C), located in coding exon 15 of the APC gene, results from an A to C substitution at nucleotide position 5295. The leucine at codon 1765 is replaced by phenylalanine, an amino acid with highly similar properties. This amino acid position is not well conserved in available vertebrate species. In addition, in silico predictors for this gene do not accurately predict pathogenicity. Missense variants in APC are not a common cause of disease (Spier I et al. Genet Med. 2024 Feb;26(2):100992). Based on the available evidence, the clinical significance of this variant remains unclear.

Color Diagnostics, LLC DBA Color Health
Classification: Uncertain significance for Hereditary cancer-predisposing syndrome. Last evaluated: 2025-06-17. Review status: criteria provided, single submitter. Criteria: ACMG Guidelines, 2015. Collection method: clinical testing. Allele origin: germline.
Comment: This missense variant replaces leucine with phenylalanine at codon 1765 of the APC protein. Computational prediction suggests that this variant may not impact protein structure and function. To our knowledge, functional studies have not been reported for this variant. This variant has not been reported in individuals affected with APC-related disorders in the literature. This variant has not been identified in the general population by the Genome Aggregation Database (gnomAD). The available evidence is insufficient to determine the role of this variant in disease conclusively. Therefore, this variant is classified as a Variant of Uncertain Significance.

Labcorp Genetics (formerly Invitae), Labcorp
Classification: Uncertain significance for Familial adenomatous polyposis 1. Last evaluated: 2024-11-03. Review status: criteria provided, single submitter. Criteria: Invitae Variant Classification Sherloc (09022015). Collection method: clinical testing. Allele origin: germline.
Comment: This sequence change replaces leucine, which is neutral and non-polar, with phenylalanine, which is neutral and non-polar, at codon 1765 of the APC protein (p.Leu1765Phe). This variant is not present in population databases (gnomAD no frequency). This variant has not been reported in the literature in individuals affected with APC-related conditions. ClinVar contains an entry for this variant (Variation ID: 1483515). Invitae Evidence Modeling of protein sequence and biophysical properties (such as structural, functional, and spatial information, amino acid conservation, physicochemical variation, residue mobility, and thermodynamic stability) indicates that this missense variant is not expected to disrupt APC protein function with a negative predictive value of 95%. In summary, the available evidence is currently insufficient to determine the role of this variant in disease. Therefore, it has been classified as a Variant of Uncertain Significance.